The following is an entry in ClinVar:

ClinVar aggregate classification (germline): Likely benign (1 of 4 stars; one submission).

Conditions:
Amelogenesis imperfecta hypomaturation type 2A3. Also called: Amelogenesis imperfecta, type IIA3. Identifiers: Orphanet 88661, MedGen C2750771, MONDO:0013181, OMIM 613211. Disease mechanism: loss of function.

Allele frequency attached by ClinVar (database versions not stated): gnomAD 0.00834; 1000 Genomes Project 0.00998; TOPMed 0.01019; 1000 Genomes Project 30x 0.01156.

Submission:

Illumina Laboratory Services, Illumina
Classification: Likely benign for Amelogenesis imperfecta hypomaturation type 2A3. Last evaluated: 2018-01-12. Review status: criteria provided, single submitter. Criteria: ICSL Variant Classification Criteria 13 December 2019. Collection method: clinical testing. Allele origin: germline.
Comment: This variant was observed in the ICSL laboratory as part of a predisposition screen in an ostensibly healthy population. It had not been previously curated by ICSL or reported in the Human Gene Mutation Database (HGMD: prior to June 1st, 2018), and was therefore a candidate for classification through an automated scoring system. Utilizing variant allele frequency, disease prevalence and penetrance estimates, and inheritance mode, an automated score was calculated to assess if this variant is too frequent to cause the disease. Based on the score and internal cut-off values, a variant classified as likely benign is not then subjected to further curation. The score for this variant resulted in a classification of likely benign for this disease.

NM_182758.4(WDR72):c.*3575T>C

Gene: WDR72 (WD repeat domain 72; minus strand). Cytogenetic location: 15q21.3.
Variant type: single nucleotide variant.
Coding change: c.*3575T>C on transcript NM_182758.4 (MANE Select); 3575 bases downstream of the stop codon, T replaced by C.
Molecular consequence: 3 prime UTR variant. On other transcripts: non-coding transcript variant (3).
Genome position (GRCh38, 1-based): chr15:53,514,124, A>G on the plus strand (T>C on the coding strand, the complement: WDR72 is on the minus strand). VCF-style: chr15-53514124-A-G. GRCh37 (hg19) VCF-style: chr15-53806321-A-G.
Other names: c.*3575T>C (NM_001277176.2).
Identifiers: ClinVar variation 316491 (VCV000316491.5), dbSNP rs193055203, ClinGen allele CA10636198.